The following is an entry in ClinVar:

NM_002386.4(MC1R):c.100C>G (p.Arg34Gly)

Gene: MC1R (melanocortin 1 receptor; plus strand). Cytogenetic location: 16q24.3.
Variant type: single nucleotide variant.
Coding change: c.100C>G on transcript NM_002386.4 (MANE Select); coding-DNA position 100, C replaced by G.
Protein change: p.Arg34Gly; replaces arginine 34 with glycine.
Molecular consequence: missense variant.
Genome position (GRCh38, 1-based): chr16:89,919,358, C>G. VCF-style: chr16-89919358-C-G. GRCh37 (hg19) VCF-style: chr16-89985766-C-G.
Other names: short protein forms R34G.
Identifiers: ClinVar variation 3871083 (VCV003871083.1).

ClinVar aggregate classification (germline): Uncertain significance (1 of 4 stars; one submission).

Submission:

Ambry Genetics
Classification: Uncertain significance. Last evaluated: 2025-01-06. Review status: criteria provided, single submitter. Criteria: Ambry Variant Classification Scheme 2023. Collection method: clinical testing. Allele origin: germline.
Comment: The p.R34G variant (also known as c.100C>G), located in coding exon 1 of the MC1R gene, results from a C to G substitution at nucleotide position 100. The arginine at codon 34 is replaced by glycine, an amino acid with dissimilar properties. This amino acid position is conserved. In addition, this alteration is predicted to be tolerated by in silico analysis. Based on the available evidence, the clinical significance of this variant remains unclear.